The following is an entry in ClinVar:

ClinVar aggregate classification (germline): Uncertain significance (1 of 4 stars; one submission).

Submission:

CeGaT Center for Human Genetics Tuebingen
Classification: Uncertain significance. Last evaluated: 2024-10-01. Review status: criteria provided, single submitter. Criteria: CeGaT Center For Human Genetics Tuebingen Variant Classification Criteria Version 2. Collection method: clinical testing. Allele origin: germline. Affected: yes. Observed: 1 variant allele.
Comment: NBEA: PM2

NM_001385012.1(NBEA):c.8024A>T (p.Asp2675Val)

Gene: NBEA (neurobeachin; plus strand). Cytogenetic location: 13q13.3.
Variant type: single nucleotide variant.
Coding change: c.8024A>T on transcript NM_001385012.1 (MANE Select); coding-DNA position 8024, A replaced by T.
Protein change: p.Asp2675Val; replaces aspartic acid 2675 with valine.
Molecular consequence: missense variant.
Genome position (GRCh38, 1-based): chr13:35,651,865, A>T. VCF-style: chr13-35651865-A-T. GRCh37 (hg19) VCF-style: chr13-36226002-A-T.
Other names: c.1340A>T, p.Asp447Val (NM_001204197.3); c.8015A>T, p.Asp2672Val (NM_001379245.1); c.7961A>T, p.Asp2654Val (NM_015678.5); short protein forms D2654V, D2672V, D2675V, D447V.
Identifiers: ClinVar variation 3390027 (VCV003390027.14).